The following is an entry in ClinVar:

ClinVar aggregate classification (germline): Uncertain significance. Review status: criteria provided, multiple submitters, no conflicts (2 of 4 stars). 2 submissions from 2 submitters: Uncertain significance (2). Last evaluated 2025-10-22.

Conditions:
Cranioectodermal dysplasia 1 (CED1). Also called: LEVIN SYNDROME I. Identifiers: Orphanet 1515, MedGen C0432235, MONDO:0021093, OMIM 218330.

Allele frequency attached by ClinVar (database versions not stated): gnomAD exomes 0.00002; ExAC 0.00003; gnomAD 0.00003; TOPMed 0.00004; ESP Exome Variant Server 0.00008.
gnomAD v4.1: 23 of 1,607,932 alleles (0.0014%); highest among the groups gnomAD compares: Middle Eastern, 0.016%; no homozygotes.

Submissions (2):

Labcorp Genetics (formerly Invitae), Labcorp
Classification: Uncertain significance for Cranioectodermal dysplasia 1. Last evaluated: 2025-10-22. Review status: criteria provided, single submitter. Criteria: Invitae Variant Classification Sherloc (09022015). Collection method: clinical testing. Allele origin: germline.
Comment: This sequence change replaces alanine, which is neutral and non-polar, with threonine, which is neutral and polar, at codon 848 of the IFT122 protein (p.Ala848Thr). This variant is present in population databases (rs376362722, gnomAD 0.007%). This variant has not been reported in the literature in individuals affected with IFT122-related conditions. ClinVar contains an entry for this variant (Variation ID: 901987). Invitae Evidence Modeling of protein sequence and biophysical properties (such as structural, functional, and spatial information, amino acid conservation, physicochemical variation, residue mobility, and thermodynamic stability) indicates that this missense variant is not expected to disrupt IFT122 protein function with a negative predictive value of 80%. In summary, the available evidence is currently insufficient to determine the role of this variant in disease. Therefore, it has been classified as a Variant of Uncertain Significance.

Illumina Laboratory Services, Illumina
Classification: Uncertain significance for Cranioectodermal dysplasia 1. Last evaluated: 2018-01-13. Review status: criteria provided, single submitter. Criteria: ICSL Variant Classification Criteria 13 December 2019. Collection method: clinical testing. Allele origin: germline.

NM_052989.3(IFT122):c.2389G>A (p.Ala797Thr)

Gene: IFT122 (intraflagellar transport 122; plus strand). Cytogenetic location: 3q22.1.
Variant type: single nucleotide variant.
Coding change: c.2389G>A on transcript NM_052989.3 (MANE Select); coding-DNA position 2389, G replaced by A.
Protein change: p.Ala797Thr; replaces alanine 797 with threonine.
Molecular consequence: missense variant.
Genome position (GRCh38, 1-based): chr3:129,502,724, G>A. VCF-style: chr3-129502724-G-A. GRCh37 (hg19) VCF-style: chr3-129221567-G-A.
Other names: c.2365G>A, p.Ala789Thr (NM_001280541.2); c.1939G>A, p.Ala647Thr (NM_001280545.2); c.1762G>A, p.Ala588Thr (NM_001280546.2); c.2212G>A, p.Ala738Thr (NM_018262.4); c.2542G>A, p.Ala848Thr (NM_052985.4); c.2056G>A, p.Ala686Thr (NM_052990.3); short protein forms A738T, A686T, A588T, A647T, A789T, A797T, A848T.
Identifiers: ClinVar variation 901987 (VCV000901987.5), dbSNP rs376362722, ClinGen allele CA2606508.
Genomic context (GRCh38, chr3:129,502,724, plus strand): 5'-TGACAAGACCCAGAGCCCACCCTCCTACCTGCCCCTTCCCTCTCCAGGTTGATCGACATC[G>A]CCCGCAAACTGGACAAGGCTGAGCGCGAGCCCCTGCTGCTGTGCGCTACCTACCTCAAGA-3'
Protein context (NP_443715.1, residues 787-807): HGWVDMLIDI[Ala797Thr]RKLDKAEREP